The following is an entry in ClinVar:

ClinVar aggregate classification (germline): Likely benign. Review status: criteria provided, multiple submitters, no conflicts (2 of 4 stars). 4 submissions from 4 submitters: Likely benign (4). Last evaluated 2026-10-01.

Conditions:
FMN2-related disorder. Also called: FMN2-related condition.

Submissions (4):

CeGaT Center for Human Genetics Tuebingen
Classification: Likely benign. Last evaluated: 2026-10-01. Review status: criteria provided, single submitter. Criteria: CeGaT Center For Human Genetics Tuebingen Variant Classification Criteria Version 2. Collection method: clinical testing. Allele origin: germline. Affected: yes. Observed: 14 variant alleles.
Comment: FMN2: BP4, BP7

Blueprint Genetics
Classification: Likely benign. Last evaluated: 2024-11-26. Review status: criteria provided, single submitter. Criteria: ACMG Guidelines, 2015. Collection method: clinical testing. Allele origin: germline.

PreventionGenetics, part of Exact Sciences
Classification: Likely benign for FMN2-related condition. Last evaluated: 2024-11-18. Review status: criteria provided, single submitter. Criteria: ACMG Guidelines, 2015. Collection method: clinical testing. Allele origin: germline.
Comment: This variant is classified as likely benign based on ACMG/AMP sequence variant interpretation guidelines (Richards et al. 2015 PMID: 25741868, with internal and published modifications).

Breakthrough Genomics
Classification: Likely benign. Review status: criteria provided, single submitter. Criteria: ACMG Guidelines, 2015. Collection method: not provided. Allele origin: germline. Inheritance: Autosomal recessive inheritance. Affected: yes.

NM_020066.5(FMN2):c.3396T>A (p.Pro1132=)

Gene: FMN2 (formin 2; plus strand). Cytogenetic location: 1q43.
Variant type: single nucleotide variant.
Coding change: c.3396T>A on transcript NM_020066.5 (MANE Select); coding-DNA position 3396, T replaced by A.
Protein change: p.Pro1132=; no amino-acid change (proline 1132 retained).
Molecular consequence: synonymous variant. On other transcripts: intron variant (1).
Genome position (GRCh38, 1-based): chr1:240,208,208, T>A. VCF-style: chr1-240208208-T-A. GRCh37 (hg19) VCF-style: chr1-240371508-T-A.
Other names: c.3408T>A, p.Pro1136= (NM_001305424.2); c.1986+19946T>A (NM_001348094.2); c.3396T>A (NM_020066.4).
Identifiers: ClinVar variation 1176861 (VCV001176861.38), dbSNP rs201646328, ClinGen allele CA424385906.